The following is an entry in ClinVar:

NM_007118.4(TRIO):c.3376T>C (p.Tyr1126His)

Gene: TRIO (trio Rho guanine nucleotide exchange factor; plus strand). Cytogenetic location: 5p15.2.
Variant type: single nucleotide variant.
Coding change: c.3376T>C on transcript NM_007118.4 (MANE Select); coding-DNA position 3376, T replaced by C.
Protein change: p.Tyr1126His; replaces tyrosine 1126 with histidine.
Molecular consequence: missense variant. On other transcripts: non-coding transcript variant (1).
Genome position (GRCh38, 1-based): chr5:14,378,056, T>C. VCF-style: chr5-14378056-T-C. GRCh37 (hg19) VCF-style: chr5-14378165-T-C.
Other names: short protein forms Y1126H.
Identifiers: ClinVar variation 3026842 (VCV003026842.22), dbSNP rs2532768692, ClinGen allele CA359220415.

ClinVar aggregate classification (germline): Uncertain significance (1 of 4 stars; one submission).

Submission:

CeGaT Center for Human Genetics Tuebingen
Classification: Uncertain significance. Last evaluated: 2024-01-01. Review status: criteria provided, single submitter. Criteria: CeGaT Center For Human Genetics Tuebingen Variant Classification Criteria Version 2. Collection method: clinical testing. Allele origin: germline. Affected: yes. Observed: 1 variant allele.
Comment: TRIO: PM2